The following is an entry in ClinVar:

NM_014795.4(ZEB2):c.3454G>C (p.Gly1152Arg)

Gene: ZEB2 (zinc finger E-box binding homeobox 2; minus strand). Cytogenetic location: 2q22.3.
Variant type: single nucleotide variant.
Coding change: c.3454G>C on transcript NM_014795.4 (MANE Select); coding-DNA position 3454, G replaced by C.
Protein change: p.Gly1152Arg; replaces glycine 1152 with arginine.
Molecular consequence: missense variant.
Genome position (GRCh38, 1-based): chr2:144,389,642, C>G on the plus strand (G>C on the coding strand, the complement: ZEB2 is on the minus strand). VCF-style: chr2-144389642-C-G. GRCh37 (hg19) VCF-style: chr2-145147209-C-G.
Other names: c.3382G>C, p.Gly1128Arg (NM_001171653.2); short protein forms G1128R, G1152R.
Identifiers: ClinVar variation 1036642 (VCV001036642.9), dbSNP rs1480636573, ClinGen allele CA348699268.

ClinVar aggregate classification (germline): Uncertain significance. Review status: criteria provided, multiple submitters, no conflicts (2 of 4 stars). 2 submissions from 2 submitters: Uncertain significance (2). Last evaluated 2023-12-18.

Conditions:
Mowat-Wilson syndrome (MOWS). Also called: Classic Mowat-Wilson Syndrome. Identifiers: Orphanet 2152, MedGen C1856113, MONDO:0009341, OMIM 235730.

Allele frequency attached by ClinVar (database versions not stated): gnomAD exomes below 0.00001; TOPMed 0.00001.
gnomAD v4.1: 3 of 1,613,950 alleles (0.00019%); highest among the groups gnomAD compares: Non-Finnish European, 0.00025%; no homozygotes.

Submissions (2):

Labcorp Genetics (formerly Invitae), Labcorp
Classification: Uncertain significance for Mowat-Wilson syndrome. Last evaluated: 2023-12-18. Review status: criteria provided, single submitter. Criteria: Invitae Variant Classification Sherloc (09022015). Collection method: clinical testing. Allele origin: germline.
Comment: This sequence change replaces glycine, which is neutral and non-polar, with arginine, which is basic and polar, at codon 1152 of the ZEB2 protein (p.Gly1152Arg). This variant is not present in population databases (gnomAD no frequency). This variant has not been reported in the literature in individuals affected with ZEB2-related conditions. ClinVar contains an entry for this variant (Variation ID: 1036642). Advanced modeling of protein sequence and biophysical properties (such as structural, functional, and spatial information, amino acid conservation, physicochemical variation, residue mobility, and thermodynamic stability) performed at Invitae indicates that this missense variant is not expected to disrupt ZEB2 protein function with a negative predictive value of 80%. In summary, the available evidence is currently insufficient to determine the role of this variant in disease. Therefore, it has been classified as a Variant of Uncertain Significance.

GeneDx
Classification: Uncertain significance. Last evaluated: 2022-06-03. Review status: criteria provided, single submitter. Criteria: GeneDx Variant Classification Process June 2021. Collection method: clinical testing. Allele origin: germline. Affected: yes.
Comment: Not observed at significant frequency in large population cohorts (gnomAD); In silico analysis supports that this missense variant does not alter protein structure/function; Has not been previously published as pathogenic or benign to our knowledge